The following is an entry in ClinVar:

NM_014717.3(ZNF536):c.1324del (p.Asp442fs)

Gene: ZNF536 (zinc finger protein 536; plus strand). Cytogenetic location: 19q12.
Variant type: Deletion.
Coding change: c.1324del on transcript NM_014717.3 (MANE Select); coding-DNA position 1324, one base deleted (G; older notation c.1324delG).
Protein change: p.Asp442fs; shifts the reading frame from aspartic acid 442.
Molecular consequence: frameshift variant.
Genome position (GRCh38, 1-based): chr19:30,444,886, G deleted; the last of 2 consecutive G bases (chr19:30,444,885-30,444,886); deleting either gives the same sequence. VCF-style (leftmost placement, unchanged base first): chr19-30444884-CG-C. GRCh37 (hg19) VCF-style: chr19-30935791-CG-C.
Other names: c.1324del, p.Asp442fs (NM_001352260.2, NM_001376110.1, NM_001376111.1 and 1 more transcripts); short protein forms D442fs.
Identifiers: ClinVar variation 4976612 (VCV004976612.1).

ClinVar aggregate classification (germline): Uncertain significance (1 of 4 stars; one submission).

Submission:

GeneDx
Classification: Uncertain significance. Last evaluated: 2022-05-27. Review status: criteria provided, single submitter. Criteria: GeneDx Variant Classification Process June 2021. Collection method: clinical testing. Allele origin: germline.
Comment: Not observed at significant frequency in large population cohorts (gnomAD); Frameshift variant predicted to result in protein truncation or nonsense mediated decay in a gene or region of a gene for which loss of function is not a well-established mechanism of disease; Has not been previously published as pathogenic or benign to our knowledge; Variants in candidate genes are classified as variants of uncertain significance in accordance with ACMG guidelines (Richards et al., 2015)